The following is an entry in ClinVar:

NM_144670.6(A2ML1):c.1684G>C (p.Val562Leu)

Gene: A2ML1 (alpha-2-macroglobulin like 1; plus strand). Cytogenetic location: 12p13.31.
Variant type: single nucleotide variant.
Coding change: c.1684G>C on transcript NM_144670.6 (MANE Select); coding-DNA position 1684, G replaced by C.
Protein change: p.Val562Leu; replaces valine 562 with leucine.
Molecular consequence: missense variant.
Genome position (GRCh38, 1-based): chr12:8,847,549, G>C. VCF-style: chr12-8847549-G-C. GRCh37 (hg19) VCF-style: chr12-9000145-G-C.
Other names: c.211G>C, p.Val71Leu (NM_001282424.3); short protein forms V71L, V562L.
Identifiers: ClinVar variation 1424446 (VCV001424446.8), dbSNP rs750546906, ClinGen allele CA6435783.

ClinVar aggregate classification (germline): Uncertain significance (1 of 4 stars; one submission).

Allele frequency attached by ClinVar (database versions not stated): ExAC 0.00003.
gnomAD v4.1: 7 of 1,606,654 alleles (0.00044%); highest among the groups gnomAD compares: Admixed American, 0.012%; no homozygotes.

Submission:

Labcorp Genetics (formerly Invitae), Labcorp
Classification: Uncertain significance. Last evaluated: 2024-08-06. Review status: criteria provided, single submitter. Criteria: Invitae Variant Classification Sherloc (09022015). Collection method: clinical testing. Allele origin: germline.
Comment: This sequence change replaces valine, which is neutral and non-polar, with leucine, which is neutral and non-polar, at codon 562 of the A2ML1 protein (p.Val562Leu). This variant is present in population databases (rs750546906, gnomAD 0.02%). This variant has not been reported in the literature in individuals affected with A2ML1-related conditions. ClinVar contains an entry for this variant (Variation ID: 1424446). An algorithm developed to predict the effect of missense changes on protein structure and function (PolyPhen-2) suggests that this variant is likely to be disruptive. Algorithms developed to predict the effect of sequence changes on RNA splicing suggest that this variant may disrupt the consensus splice site. In summary, the available evidence is currently insufficient to determine the role of this variant in disease. Therefore, it has been classified as a Variant of Uncertain Significance.